The following is an entry in ClinVar:

ClinVar aggregate classification (germline): Pathogenic/Likely pathogenic. Review status: criteria provided, multiple submitters, no conflicts (2 of 4 stars). 20 submissions from 18 submitters: Pathogenic (7); Likely pathogenic (9). 4 of the submissions do not count toward it. Last evaluated 2026-02-25.

Conditions:
BRCA2-related cancer predisposition. Identifiers: MedGen CN377758, MONDO:0700269.
Hereditary breast ovarian cancer syndrome. Also called: Hereditary breast and ovarian cancer; Hereditary breast and ovarian cancer syndrome (HBOC); Hereditary breast and ovarian cancer syndrome; Breast and ovarian cancer; Hereditary breast and/or ovarian cancer syndrome; BRCA1- and BRCA2-Associated Hereditary Breast and Ovarian Cancer. Identifiers: Orphanet 145, MedGen C0677776, MeSH D061325, MONDO:0003582. Disease mechanism: loss of function.
Hereditary cancer-predisposing syndrome. Also called: Neoplastic Syndromes, Hereditary; Hereditary neoplastic syndrome; Tumor predisposition; Hereditary Cancer Syndrome. Identifiers: Orphanet 140162, MedGen C0027672, MeSH D009386, MONDO:0015356.
Breast-ovarian cancer, familial, susceptibility to, 2 (BROVCA2). Also called: BRCA2 Hereditary Breast and Ovarian Cancer. Identifiers: Orphanet 145, MedGen C2675520, MONDO:0012933, OMIM 612555. Disease mechanism: loss of function.
Familial cancer of breast. Also called: Hereditary breast cancer; BREAST CANCER, FAMILIAL; hereditary breast carcinoma. Identifiers: Orphanet 227535, MedGen C0346153, MONDO:0016419, OMIM 114480. Disease mechanism: loss of function.
Malignant tumor of breast. Also called: Malignant breast neoplasm; Cancer breast. Identifiers: MedGen C0006142, MONDO:0007254. Disease mechanism: loss of function.

Allele frequency attached by ClinVar (database versions not stated): TOPMed below 0.00001; gnomAD exomes below 0.00001.
gnomAD v4.1: 1 of 1,614,140 alleles (0.000062%); highest among the groups gnomAD compares: Non-Finnish European, 0.000085%; no homozygotes.

Submissions 1 to 6 of 20:

Dasa
Classification: Likely pathogenic. Last evaluated: 2026-02-25. Review status: criteria provided, single submitter. Criteria: DASA Assertion Criteria. Collection method: clinical testing. Allele origin: germline.
Comment: NM_000059.4(BRCA2):c.7868A>G (p.His2623Arg) is a missense variant that results in the substitution of histidine with arginine. The affected residue or protein region has prior evidence supporting clinical relevance. Functional evidence supports an impact on the gene or gene product (PMID: 33609447; PMID: 32444794; PMID: 33293522; PMID: 40232841; PMID: 26023681). Also, this variant is rare in population databases. Computational evidence supports a deleterious effect. Based on the currently available evidence, this variant is classified as likely pathogenic.

Labcorp Genetics (formerly Invitae), Labcorp
Classification: Pathogenic for Hereditary breast ovarian cancer syndrome. Last evaluated: 2025-10-02. Review status: criteria provided, single submitter. Criteria: Invitae Variant Classification Sherloc (09022015). Collection method: clinical testing. Allele origin: germline.
Comment: This sequence change replaces histidine, which is basic and polar, with arginine, which is basic and polar, at codon 2623 of the BRCA2 protein (p.His2623Arg). This variant is not present in population databases (gnomAD no frequency). This missense change has been observed in individual(s) with a personal and/or family history of breast or ovarian cancer (PMID: 26023681, 31409081; external communication, internal data). It has also been observed to segregate with disease in related individuals. ClinVar contains an entry for this variant (Variation ID: 38123). Invitae Evidence Modeling incorporating data from in vitro experimental studies (PMID: 33609447) indicates that this missense variant is expected to disrupt BRCA2 function with a positive predictive value of 95%. Experimental studies have shown that this missense change affects BRCA2 function (PMID: 29394989, 32444794, 33609447). For these reasons, this variant has been classified as Pathogenic.

Ambry Genetics
Classification: Pathogenic for Hereditary cancer-predisposing syndrome. Last evaluated: 2025-09-26. Review status: criteria provided, single submitter. Criteria: Ambry Variant Classification Scheme 2023. Collection method: clinical testing. Allele origin: germline.
Comment: The p.H2623R pathogenic mutation (also known as c.7868A>G), located in coding exon 16 of the BRCA2 gene, results from an A to G substitution at nucleotide position 7868. The histidine at codon 2623 is replaced by arginine, an amino acid with highly similar properties. Homology-directed DNA repair (HDR) assays have demonstrated this variant to be non-functional (Guidugli L et al. Am. J. Hum. Genet. 2018 02;102:233-248; Hart SN et al. Genet. Med. 2019 01;21:71-80; Hu C et al. Am J Hum Genet. 2024 Mar;111(3):584-593). Two saturation genome editing-based studies, including a haploid cell-survival assay and a humanized mouse embryonic stem cell line assay of drug response and survival, demonstrate that this nucleotide substitution is non-functional (Huang H et al. Nature. 2025 Feb;638(8050):528-537; Sahu S et al. Nature. 2025 Feb;638(8050):538-545). This variant is located in an important DNA binding functional domain of BRCA2 and was predicted to be deleterious by a computational probabilistic likelihood ratio model (Karchin R et al. Cancer Inform. 2008 Apr;6:203-16). Based on internal structural analysis, this alteration is expected to lead to significant destabilization of the helical domain, where several other pathogenic alterations are present (Yang H et al. Science. 2002 Sep;297:1837-48). This amino acid position is highly conserved in available vertebrate species. In addition, this alteration is predicted to be deleterious by in silico analysis. Based on the supporting evidence, this alteration is interpreted as a disease-causing mutation.

GeneKor MSA
Classification: Pathogenic for Hereditary breast ovarian cancer syndrome. Last evaluated: 2025-06-02. Review status: criteria provided, single submitter. Criteria: ACMG Guidelines, 2015. Collection method: clinical testing. Allele origin: germline. Affected: yes.
Comment: This sequence change replaces Histidine with Arginine at codon 2623 of the BRCA2 protein. This alteration is present in population databases (rs80359012, <0.001%, TOPMED). This premature translational stop signal has been observed in individual(s) with personal and/or family history of breast and ovarian cancer PMID:26023681, 31409081).Experimental studies have shown that this missense change affects BRCA2 function (PMID:29394989, 32444794, 33609447). The mutation database ClinVar contains entries for this variant where it is listed as pathogenic (VCV000038123.40). Based on the classification criteria set by the ACMG and AMP (PMID:25741868) this variant has been classified as pathogenic.

ARUP Laboratories, Molecular Genetics and Genomics, ARUP Laboratories
Classification: Likely pathogenic. Last evaluated: 2025-02-21. Review status: criteria provided, single submitter. Criteria: ARUP Molecular Germline Variant Investigation Process 2024. Collection method: clinical testing. Allele origin: germline.
Comment: The BRCA2 c.7868A>G; p.His2623Arg variant (rs80359012, ClinVar Variation ID: 38123) is reported in the literature in individuals affected with breast and/or ovarian cancer (Foley 2015, Kechin 2023, Lilyquist 2017). This variant is absent from the Genome Aggregation Database (v2.1.1), indicating it is not a common polymorphism. Functional analyses show reduced homology-directed DNA repair activity, reduced rescue of cell viability and response to PARP inhibitors (Biswas 2020, Ikegami 2020, Richardson 2021). Computational analyses predict that this variant is deleterious (REVEL: 0.906). Based on available information, this variant is considered to be likely pathogenic. References: Biswas K et al. A computational model for classification of BRCA2 variants using mouse embryonic stem cell-based functional assays. NPJ Genom Med. 2020 Dec 8;5(1):52. PMID: 33293522. Foley SB et al. Use of Whole Genome Sequencing for Diagnosis and Discovery in the Cancer Genetics Clinic. EBioMedicine. 2015 Jan;2(1):74-81. PMID: 26023681. Ikegami M et al. High-throughput functional evaluation of BRCA2 variants of unknown significance. Nat Commun. 2020 May 22;11(1):2573. PMID: 32444794. Kechin A et al. A spectrum of BRCA1 and BRCA2 germline deleterious variants in ovarian cancer in Russia. Breast Cancer Res Treat. 2023 Jan;197(2):387-395. PMID: 36367610. Lilyquist J et al. Frequency of mutations in a large series of clinically ascertained ovarian cancer cases tested on multi-gene panels compared to reference controls. Gynecol Oncol. 2017 Nov;147(2):375-380. PMID: 2888854. Richardson ME et al. Strong functional data for pathogenicity or neutrality classify BRCA2 DNA-binding-domain variants of uncertain significance. Am J Hum Genet. 2021 Mar 4;108(3):458-468. PMID: 33609447.

All of Us Research Program, National Institutes of Health
Classification: Pathogenic for BRCA2-related cancer predisposition. Last evaluated: 2024-09-27. Review status: criteria provided, single submitter. Criteria: ACMG Guidelines, 2015. Collection method: clinical testing. Allele origin: germline. Inheritance: Autosomal dominant inheritance. Observed: 2 variant alleles, 2 heterozygotes.
Comment: This missense variant replaces histidine with arginine at codon 2623 of the BRCA2 protein. Computational prediction suggests that this variant may have deleterious impact on protein structure and function (internally defined REVEL score threshold >= 0.7, PMID: 27666373). This variant has been reported to impact BRCA2 function in a homology-directed repair assay and in the rescue of cell viability and PARP-inhibitor sensitivity in BRCA2-deficient cells (PMID: 29394989, 32444794, 33293522). This variant has been detected in at least four individuals affected with breast cancer (PMID: 26023681, 33471991; Leiden Open Variation Database DB-ID BRCA2_000237; Color internal data). This variant has not been identified in the general population by the Genome Aggregation Database (gnomAD). Based on the available evidence, this variant is classified as Pathogenic.

This study involves interpretation of variants in research participants for the purpose of population health screening. Participant phenotype was not available at the time of variant classification. Additional details can be found in publication PMID: 35346344, PMCID: PMC8962531

NM_000059.4(BRCA2):c.7868A>G (p.His2623Arg)

Gene: BRCA2 (BRCA2 DNA repair associated; plus strand). Cytogenetic location: 13q13.1.
Variant type: single nucleotide variant.
Coding change: c.7868A>G on transcript NM_000059.4 (MANE Select); coding-DNA position 7868, A replaced by G.
Protein change: p.His2623Arg; replaces histidine 2623 with arginine.
Molecular consequence: missense variant.
Genome position (GRCh38, 1-based): chr13:32,362,585, A>G. VCF-style: chr13-32362585-A-G. GRCh37 (hg19) VCF-style: chr13-32936722-A-G.
Other names: 8096A>G; short protein forms H2623R.
Identifiers: ClinVar variation 38123 (VCV000038123.47), dbSNP rs80359012, ClinGen allele CA025314.
Genomic context (GRCh38, chr13:32,362,585, plus strand): 5'-CTCTGTGTGACACTCCAGGTGTGGATCCAAAGCTTATTTCTAGAATTTGGGTTTATAATC[A>G]CTATAGATGGATCATATGGAAACTGGCAGCTATGGAATGTGCCTTTCCTAAGGAATTTGC-3'
Protein context (NP_000050.3, residues 2613-2633): KLISRIWVYN[His2623Arg]YRWIIWKLAA